The following is an entry in ClinVar:

NM_004408.4(DNM1):c.854T>A (p.Leu285Gln)

Gene: DNM1 (dynamin 1; plus strand). Cytogenetic location: 9q34.11.
Variant type: single nucleotide variant.
Coding change: c.854T>A on transcript NM_004408.4 (MANE Select); coding-DNA position 854, T replaced by A.
Protein change: p.Leu285Gln; replaces leucine 285 with glutamine.
Molecular consequence: missense variant.
Genome position (GRCh38, 1-based): chr9:128,222,201, T>A. VCF-style: chr9-128222201-T-A. GRCh37 (hg19) VCF-style: chr9-130984480-T-A.
Other names: c.854T>A, p.Leu285Gln (NM_001005336.3, NM_001288737.2, NM_001288738.2 and 1 more transcripts); short protein forms L285Q.
Identifiers: ClinVar variation 430274 (VCV000430274.3), dbSNP rs1131691877, ClinGen allele CA375014689.

ClinVar aggregate classification (germline): Pathogenic/Likely pathogenic. Review status: criteria provided, multiple submitters, no conflicts (2 of 4 stars). 2 submissions from 2 submitters: Pathogenic (1); Likely pathogenic (1). Last evaluated 2025-08-06.

Conditions:
Seizure. Also called: Seizures. Identifiers: MedGen C0036572, HP:0001250.

Submissions (2):

GeneDx
Classification: Pathogenic. Last evaluated: 2025-08-06. Review status: criteria provided, single submitter. Criteria: GeneDx Variant Classification Process June 2021. Collection method: clinical testing. Allele origin: germline. Affected: yes.
Comment: Not observed at significant frequency in large population cohorts (gnomAD); In silico analysis supports that this missense variant has a deleterious effect on protein structure/function; In silico analysis supports a deleterious effect on splicing; Has not been previously published as pathogenic or benign to our knowledge

Cytogénomique, Hospices Civils de Lyon
Classification: Likely pathogenic for Seizure. Last evaluated: 2025-03-26. Review status: criteria provided, single submitter. Criteria: ACMG Guidelines, 2015. Collection method: clinical testing. Allele origin: de novo. Affected: yes.